The following is an entry in ClinVar:

NM_001039660.2(IL18BP):c.457G>A (p.Val153Met)

Gene: IL18BP (interleukin 18 binding protein; plus strand). Cytogenetic location: 11q13.4.
Variant type: single nucleotide variant.
Coding change: c.457G>A on transcript NM_001039660.2 (MANE Select); coding-DNA position 457, G replaced by A.
Protein change: p.Val153Met; replaces valine 153 with methionine.
Molecular consequence: missense variant. On other transcripts: intron variant (2).
Genome position (GRCh38, 1-based): chr11:72,001,502, G>A. VCF-style: chr11-72001502-G-A. GRCh37 (hg19) VCF-style: chr11-71712548-G-A.
Other names: c.457G>A, p.Val153Met (NM_001039659.2, NM_001145057.1, NM_005699.3 and 1 more transcripts); c.379+78G>A (NM_173044.3); c.236-282G>A (NM_001145055.1); short protein forms V153M.
Identifiers: ClinVar variation 2170649 (VCV002170649.4), dbSNP rs200994634, ClinGen allele CA6166247.

ClinVar aggregate classification (germline): Uncertain significance (1 of 4 stars; one submission).

Allele frequency attached by ClinVar (database versions not stated): ExAC 0.00006; gnomAD exomes 0.00006; 1000 Genomes Project 30x 0.00016; gnomAD 0.00019; 1000 Genomes Project 0.00020; TOPMed 0.00022; ESP Exome Variant Server 0.00032.

Submission:

Labcorp Genetics (formerly Invitae), Labcorp
Classification: Uncertain significance. Last evaluated: 2024-10-27. Review status: criteria provided, single submitter. Criteria: Invitae Variant Classification Sherloc (09022015). Collection method: clinical testing. Allele origin: germline.
Comment: This sequence change replaces valine, which is neutral and non-polar, with methionine, which is neutral and non-polar, at codon 153 of the IL18BP protein (p.Val153Met). This variant is present in population databases (rs200994634, gnomAD 0.05%). This variant has not been reported in the literature in individuals affected with IL18BP-related conditions. ClinVar contains an entry for this variant (Variation ID: 2170649). An algorithm developed to predict the effect of missense changes on protein structure and function outputs the following: PolyPhen-2: "Benign". The methionine amino acid residue is found in multiple mammalian species, which suggests that this missense change does not adversely affect protein function. In summary, the available evidence is currently insufficient to determine the role of this variant in disease. Therefore, it has been classified as a Variant of Uncertain Significance.